The following is an entry in ClinVar:

ClinVar aggregate classification (germline): Uncertain significance. Review status: criteria provided, multiple submitters, no conflicts (2 of 4 stars). 2 submissions from 2 submitters: Uncertain significance (2). Last evaluated 2025-11-03.

Allele frequency attached by ClinVar (database versions not stated): TOPMed 0.00002; ExAC 0.00003; 1000 Genomes Project 0.00020; gnomAD 0.00002; 1000 Genomes Project 30x 0.00016.
gnomAD v4.1: 15 of 1,614,042 alleles (0.00093%); highest among the groups gnomAD compares: East Asian, 0.029%; no homozygotes.

Submissions (2):

Labcorp Genetics (formerly Invitae), Labcorp
Classification: Uncertain significance. Last evaluated: 2025-11-03. Review status: criteria provided, single submitter. Criteria: Invitae Variant Classification Sherloc (09022015). Collection method: clinical testing. Allele origin: germline.
Comment: This sequence change replaces valine, which is neutral and non-polar, with glycine, which is neutral and non-polar, at codon 3817 of the HMCN1 protein (p.Val3817Gly). This variant is present in population databases (rs536404500, gnomAD 0.03%). This variant has not been reported in the literature in individuals affected with HMCN1-related conditions. ClinVar contains an entry for this variant (Variation ID: 2902975). An algorithm developed to predict the effect of missense changes on protein structure and function (PolyPhen-2) suggests that this variant is likely to be disruptive. In summary, the available evidence is currently insufficient to determine the role of this variant in disease. Therefore, it has been classified as a Variant of Uncertain Significance.

Ambry Genetics
Classification: Uncertain significance. Last evaluated: 2024-09-02. Review status: criteria provided, single submitter. Criteria: Ambry Variant Classification Scheme 2023. Collection method: clinical testing. Allele origin: germline.

NM_031935.3(HMCN1):c.11450T>G (p.Val3817Gly)

Gene: HMCN1 (hemicentin 1; plus strand). Cytogenetic location: 1q31.1.
Variant type: single nucleotide variant.
Coding change: c.11450T>G on transcript NM_031935.3 (MANE Select); coding-DNA position 11450, T replaced by G.
Protein change: p.Val3817Gly; replaces valine 3817 with glycine.
Molecular consequence: missense variant.
Genome position (GRCh38, 1-based): chr1:186,115,303, T>G. VCF-style: chr1-186115303-T-G. GRCh37 (hg19) VCF-style: chr1-186084435-T-G.
Other names: c.11450T>G (NM_031935.2); short protein forms V3817G.
Identifiers: ClinVar variation 2902975 (VCV002902975.4), dbSNP rs536404500, ClinGen allele CA1294058.